The following is an entry in ClinVar:

NM_004429.5(EFNB1):c.229A>G (p.Lys77Glu)

Gene: EFNB1 (ephrin B1; plus strand). Cytogenetic location: Xq13.1.
Variant type: single nucleotide variant.
Coding change: c.229A>G on transcript NM_004429.5 (MANE Select); coding-DNA position 229, A replaced by G.
Protein change: p.Lys77Glu; replaces lysine 77 with glutamic acid.
Molecular consequence: missense variant.
Genome position (GRCh38, 1-based): chrX:68,838,717, A>G. VCF-style: chrX-68838717-A-G. GRCh37 (hg19) VCF-style: chrX-68058560-A-G.
Other names: c.229A>G (NM_004429.4); short protein forms K77E.
Identifiers: ClinVar variation 2857752 (VCV002857752.4), dbSNP rs2519538171, ClinGen allele CA413437471.

ClinVar aggregate classification (germline): Uncertain significance. Review status: criteria provided, multiple submitters, no conflicts (2 of 4 stars). 2 submissions from 2 submitters: Uncertain significance (2). Last evaluated 2026-04-22.

Submissions (2):

GeneDx
Classification: Uncertain significance. Last evaluated: 2026-04-22. Review status: criteria provided, single submitter. Criteria: GeneDx Variant Classification Process June 2021. Collection method: clinical testing. Allele origin: germline.
Comment: Not observed at significant frequency in large population cohorts (gnomAD); In silico analysis supports that this missense variant has a deleterious effect on protein structure/function; Has not been previously published as pathogenic or benign to our knowledge

Labcorp Genetics (formerly Invitae), Labcorp
Classification: Uncertain significance. Last evaluated: 2023-04-20. Review status: criteria provided, single submitter. Criteria: Invitae Variant Classification Sherloc (09022015). Collection method: clinical testing. Allele origin: germline.
Comment: This sequence change replaces lysine, which is basic and polar, with glutamic acid, which is acidic and polar, at codon 77 of the EFNB1 protein (p.Lys77Glu). In summary, the available evidence is currently insufficient to determine the role of this variant in disease. Therefore, it has been classified as a Variant of Uncertain Significance. Advanced modeling of protein sequence and biophysical properties (such as structural, functional, and spatial information, amino acid conservation, physicochemical variation, residue mobility, and thermodynamic stability) performed at Invitae indicates that this missense variant is expected to disrupt EFNB1 protein function. This variant has not been reported in the literature in individuals affected with EFNB1-related conditions. This variant is not present in population databases (gnomAD no frequency).